The following is an entry in ClinVar:

NM_000219.6(KCNE1):c.265G>T (p.Glu89Ter)

Gene: KCNE1 (potassium voltage-gated channel subfamily E regulatory subunit 1; minus strand). Cytogenetic location: 21q22.12.
Variant type: single nucleotide variant.
Coding change: c.265G>T on transcript NM_000219.6 (MANE Select); coding-DNA position 265, G replaced by T.
Protein change: p.Glu89Ter; replaces glutamic acid 89 with a stop codon.
Molecular consequence: nonsense.
Genome position (GRCh38, 1-based): chr21:34,449,370, C>A on the plus strand (G>T on the coding strand, the complement: KCNE1 is on the minus strand). VCF-style: chr21-34449370-C-A. GRCh37 (hg19) VCF-style: chr21-35821668-C-A.
Other names: c.265G>T, p.Glu89Ter (NM_001127668.4, NM_001127669.4, NM_001127670.4 and 4 more transcripts); short protein forms E89*.
Identifiers: ClinVar variation 3374479 (VCV003374479.2).

Conditions:
Long QT syndrome 5 (LQT5). Identifiers: Orphanet 101016, Orphanet 768, MedGen C1867904, MONDO:0013372, OMIM 613695.

Submission:

Roden Lab, Vanderbilt University Medical Center
No classification provided (evidence only). Condition: Long QT syndrome 5. Review status: no classification provided. Collection method: in vitro. Allele origin: not applicable. Functional consequence: Effect on ion channel function.
ClinVar note: "not provided" was previously submitted as the classification for the variant. However, the classification appeared to be based only on an observation of functional data so it was converted to no classification on 2025-07-30.